The following is an entry in ClinVar:

NM_000180.4(GUCY2D):c.2351T>C (p.Met784Thr)

Gene: GUCY2D (guanylate cyclase 2D, retinal; plus strand). Cytogenetic location: 17p13.1.
Variant type: single nucleotide variant.
Coding change: c.2351T>C on transcript NM_000180.4 (MANE Select); coding-DNA position 2351, T replaced by C.
Protein change: p.Met784Thr; replaces methionine 784 with threonine.
Molecular consequence: missense variant.
Genome position (GRCh38, 1-based): chr17:8,013,967, T>C. VCF-style: chr17-8013967-T-C. GRCh37 (hg19) VCF-style: chr17-7917285-T-C.
Other names: short protein forms M784T.
Identifiers: ClinVar variation 2165151 (VCV002165151.4), dbSNP rs375010731, ClinGen allele CA8366095.
Genomic context (GRCh38, chr17:8,013,967, plus strand): 5'-CTCCACTGTGTCGGCCCTTGGTGTCCATGGACCAGGCACCTGTCGAGTGTATCCTCCTGA[T>C]GAAGCAGTGCTGGGCAGAGCAGCCGGAACTTCGGCCCTCCATGGACCACACCTTCGACCT-3'
Protein context (NP_000171.1, residues 774-794): DQAPVECILL[Met784Thr]KQCWAEQPEL

ClinVar aggregate classification (germline): Uncertain significance (1 of 4 stars; one submission).

Conditions:
Cone-rod dystrophy 6 (CORD6). Also called: RETINAL CONE DYSTROPHY 2; Cone dystrophy progressive. Identifiers: Orphanet 1872, MedGen C1866293, MONDO:0011143, OMIM 601777.
Leber congenital amaurosis 1 (LCA1). Also called: RETINAL BLINDNESS, CONGENITAL; AMAUROSIS CONGENITA OF LEBER I; Congenital absence of the rods and cones; Leber's congenital tapetoretinal degeneration; Leber's congenital tapetoretinal dysplasia. Identifiers: Orphanet 65, MedGen C2931258, MONDO:0008764, OMIM 204000.

Allele frequency attached by ClinVar (database versions not stated): ExAC 0.00001; gnomAD 0.00002; TOPMed 0.00002; ESP Exome Variant Server 0.00008.
gnomAD v4.1: 5 of 1,613,732 alleles (0.00031%); highest among the groups gnomAD compares: African/African-American, 0.004%; no homozygotes.

Submission:

Labcorp Genetics (formerly Invitae), Labcorp
Classification: Uncertain significance for Leber congenital amaurosis 1; Cone-rod dystrophy 6. Last evaluated: 2022-08-19. Review status: criteria provided, single submitter. Criteria: Invitae Variant Classification Sherloc (09022015). Collection method: clinical testing. Allele origin: germline.
Comment: In summary, the available evidence is currently insufficient to determine the role of this variant in disease. Therefore, it has been classified as a Variant of Uncertain Significance. Algorithms developed to predict the effect of missense changes on protein structure and function (SIFT, PolyPhen-2, Align-GVGD) all suggest that this variant is likely to be disruptive. This variant has not been reported in the literature in individuals affected with GUCY2D-related conditions. This variant is present in population databases (rs375010731, gnomAD 0.007%). This sequence change replaces methionine, which is neutral and non-polar, with threonine, which is neutral and polar, at codon 784 of the GUCY2D protein (p.Met784Thr).